The following is an entry in ClinVar:

ClinVar aggregate classification (germline): Pathogenic/Likely pathogenic. Review status: criteria provided, multiple submitters, no conflicts (2 of 4 stars). 2 submissions from 2 submitters: Pathogenic (1); Likely pathogenic (1). Last evaluated 2022-05-08.

Conditions:
Bifunctional peroxisomal enzyme deficiency (DBIF). Also called: DBP DEFICIENCY; D-bifunctional protein deficiency; PBFE DEFICIENCY. Identifiers: Orphanet 300, MedGen C0342870, MONDO:0009855, OMIM 261515. Disease mechanism: loss of function.
Perrault syndrome. Also called: Gonadal dysgenesis with auditory dysfunction, autosomal recessive inheritance. Identifiers: Orphanet 2855, MedGen C0685838, MONDO:0017312.

Submissions (2):

Labcorp Genetics (formerly Invitae), Labcorp
Classification: Likely pathogenic for Perrault syndrome; Bifunctional peroxisomal enzyme deficiency. Last evaluated: 2022-05-08. Review status: criteria provided, single submitter. Criteria: Invitae Variant Classification Sherloc (09022015). Collection method: clinical testing. Allele origin: germline.
Comment: In summary, the currently available evidence indicates that the variant is pathogenic, but additional data are needed to prove that conclusively. Therefore, this variant has been classified as Likely Pathogenic. This sequence change affects an acceptor splice site in intron 16 of the HSD17B4 gene. It is expected to disrupt RNA splicing. Variants that disrupt the donor or acceptor splice site typically lead to a loss of protein function (PMID: 16199547), and loss-of-function variants in HSD17B4 are known to be pathogenic (PMID: 11810648, 16385454). This variant is not present in population databases (gnomAD no frequency). This variant has not been reported in the literature in individuals affected with HSD17B4-related conditions. ClinVar contains an entry for this variant (Variation ID: 449589). Algorithms developed to predict the effect of sequence changes on RNA splicing suggest that this variant may disrupt the consensus splice site.

GeneDx
Classification: Pathogenic. Last evaluated: 2020-02-28. Review status: criteria provided, single submitter. Criteria: GeneDx Variant Classification Process June 2021. Collection method: clinical testing. Allele origin: germline. Affected: yes.
Comment: Canonical splice site variant predicted to result in a null allele in a gene for which loss-of-function is a known mechanism of disease; Not observed in large population cohorts (Lek et al., 2016); Has not been previously published as pathogenic or benign to our knowledge

Literature cited by the submitters: PubMed 16199547 (cited by Labcorp Genetics (formerly Invitae), Labcorp); PubMed 11810648 (cited by Labcorp Genetics (formerly Invitae), Labcorp); PubMed 16385454 (cited by Labcorp Genetics (formerly Invitae), Labcorp).

NM_000414.4(HSD17B4):c.1438-1G>A

Gene: HSD17B4 (hydroxysteroid 17-beta dehydrogenase 4; plus strand). Cytogenetic location: 5q23.1.
Variant type: single nucleotide variant.
Coding change: c.1438-1G>A on transcript NM_000414.4 (MANE Select); the canonical splice acceptor site of the intron before coding-DNA position 1438, G replaced by A.
Molecular consequence: splice acceptor variant.
Genome position (GRCh38, 1-based): chr5:119,514,980, G>A. VCF-style: chr5-119514980-G-A. GRCh37 (hg19) VCF-style: chr5-118850675-G-A.
Other names: c.1027-1G>A (NM_001374503.1, NM_001374502.1, NM_001374501.1); c.1513-1G>A (NM_001199291.3); c.1111-1G>A (NM_001374499.1); c.997-1G>A (NM_001374500.1); c.1018-1G>A (NM_001292028.2); c.1366-1G>A (NM_001292027.2, NM_001374498.1); c.1429-1G>A (NM_001374497.1); c.1384-1G>A (NM_001199292.2).
Identifiers: ClinVar variation 449589 (VCV000449589.8), dbSNP rs1554067009, ClinGen allele CA360868886.